The following is an entry in ClinVar:

ClinVar aggregate classification (germline): Benign. Review status: reviewed by expert panel (3 of 4 stars). 5 submissions from 5 submitters: Benign (1). 4 of the submissions do not count toward it. Last evaluated 2026-08-18.

Conditions:
Alexander disease (ALXDRD). Also called: Alexander's disease. Identifiers: Orphanet 58, MedGen C0270726, MONDO:0008752, OMIM 203450.

Allele frequency attached by ClinVar (database versions not stated): TOPMed 0.25251; gnomAD 0.26145 and 0.26183; ESP Exome Variant Server 0.26417; ExAC 0.26747; gnomAD exomes 0.26830; 1000 Genomes Project 30x 0.24204; 1000 Genomes Project 0.24361.
gnomAD v4.1: 438,144 of 1,613,168 alleles (27%); highest among the groups gnomAD compares: South Asian, 28%; 59,886 homozygotes.

Submissions (5):

ClinGen Leukodystrophy and Leukoencephalopathy Variant Curation Expert Panel, ClinGen
Classification: Benign for Alexander disease. Last evaluated: 2026-08-18. Review status: reviewed by expert panel. Criteria: ClinGen Leuko ACMG Specifications GFAP V1.0. Collection method: curation. Allele origin: germline. Inheritance: Autosomal dominant inheritance.
Comment: The c.1171+459A>G variant in GFAP is a deep intronic variant. The GrpMax filtering allele frequency in gnomAD v4.1.1 is 0.2790 from the South Asian genetic ancestry group (the lower threshold of the 95% CI of 25674/91076 alleles), which is higher than the ClinGen Leukodystrophy and Leukoencephalopathy Expert Panel Specifications to the ACMG/AMP Variant Interpretation Guidelines for GFAP Version 1.0.0 threshold ≥ 0.01% for BA1, and therefore meets this criterion (BA1). In summary, this variant meets the criteria to be classified as benign based on the lack of ACMG/AMP criteria applied, as specified by the ClinGen Leukodystrophy and Leukoencephalopathy VCEP: BA1 (ClinGen Leukodystrophy and Leukoencephalopathy VCEP Specifications Version 1.0.0).

Labcorp Genetics (formerly Invitae), Labcorp
Classification: Benign. Last evaluated: 2026-02-04. Review status: criteria provided, single submitter. Criteria: Invitae Variant Classification Sherloc (09022015). Collection method: clinical testing. Allele origin: germline. Not counted in ClinVar's aggregate classification.

Blueprint Genetics
Classification: Likely benign. Last evaluated: 2024-11-28. Review status: criteria provided, single submitter. Criteria: ACMG Guidelines, 2015. Collection method: clinical testing. Allele origin: germline. Not counted in ClinVar's aggregate classification.

GeneDx
Classification: Benign. Last evaluated: 2018-07-09. Review status: criteria provided, single submitter. Criteria: GeneDx Variant Classification (06012015). Collection method: clinical testing. Allele origin: germline. Affected: yes. Not counted in ClinVar's aggregate classification.

Breakthrough Genomics
Classification: Benign. Review status: criteria provided, single submitter. Criteria: ACMG Guidelines, 2015. Collection method: not provided. Allele origin: germline. Inheritance: Autosomal dominant inheritance. Affected: yes. Not counted in ClinVar's aggregate classification.

NM_002055.5(GFAP):c.1171+459A>G

Gene: GFAP (glial fibrillary acidic protein; minus strand). Cytogenetic location: 17q21.31.
Variant type: single nucleotide variant.
Coding change: c.1171+459A>G on transcript NM_002055.5 (MANE Select); 459 bases into the intron after coding-DNA position 1171, A replaced by G.
Molecular consequence: intron variant. On other transcripts: missense variant (2), 3 prime UTR variant (1).
Genome position (GRCh38, 1-based): chr17:44,910,156, T>C on the plus strand (A>G on the coding strand, the complement: GFAP is on the minus strand). VCF-style: chr17-44910156-T-C. GRCh37 (hg19) VCF-style: chr17-42987524-T-C.
Other names: c.1276A>G, p.Thr426Ala (NM_001131019.3, NM_001363846.2); c.*313A>G (NM_001242376.3); short protein forms T426A.
Identifiers: ClinVar variation 1164603 (VCV001164603.13), dbSNP rs9916491, ClinGen allele CA8608689.